The following is an entry in ClinVar:

ClinVar aggregate classification (germline): Uncertain significance. Review status: criteria provided, multiple submitters, no conflicts (2 of 4 stars). 2 submissions from 2 submitters: Uncertain significance (2). Last evaluated 2025-08-26.

Conditions:
Inborn genetic diseases. Identifiers: MedGen C0950123, MeSH D030342.

Allele frequency attached by ClinVar (database versions not stated): gnomAD exomes 0.00002 and 0.00008; ExAC 0.00004; gnomAD 0.00009 and 0.00011; TOPMed 0.00011; ESP Exome Variant Server 0.00015; 1000 Genomes Project 30x 0.00016; 1000 Genomes Project 0.00020.
gnomAD v4.1: 51 of 1,614,218 alleles (0.0032%); highest among the groups gnomAD compares: African/African-American, 0.039%; no homozygotes.

Submissions (2):

Ambry Genetics
Classification: Uncertain significance for Inborn genetic diseases. Last evaluated: 2025-08-26. Review status: criteria provided, single submitter. Criteria: Ambry Variant Classification Scheme 2023. Collection method: clinical testing. Allele origin: germline.

Labcorp Genetics (formerly Invitae), Labcorp
Classification: Uncertain significance. Last evaluated: 2022-10-31. Review status: criteria provided, single submitter. Criteria: Invitae Variant Classification Sherloc (09022015). Collection method: clinical testing. Allele origin: germline.
Comment: This sequence change replaces proline, which is neutral and non-polar, with leucine, which is neutral and non-polar, at codon 248 of the EXTL3 protein (p.Pro248Leu). This variant is present in population databases (rs375285295, gnomAD 0.05%). This variant has not been reported in the literature in individuals affected with EXTL3-related conditions. ClinVar contains an entry for this variant (Variation ID: 1429187). Advanced modeling of protein sequence and biophysical properties (such as structural, functional, and spatial information, amino acid conservation, physicochemical variation, residue mobility, and thermodynamic stability) performed at Invitae indicates that this missense variant is not expected to disrupt EXTL3 protein function. In summary, the available evidence is currently insufficient to determine the role of this variant in disease. Therefore, it has been classified as a Variant of Uncertain Significance.

NM_001440.4(EXTL3):c.743C>T (p.Pro248Leu)

Gene: EXTL3 (exostosin like glycosyltransferase 3; plus strand). Cytogenetic location: 8p21.1.
Variant type: single nucleotide variant.
Coding change: c.743C>T on transcript NM_001440.4 (MANE Select); coding-DNA position 743, C replaced by T.
Protein change: p.Pro248Leu; replaces proline 248 with leucine.
Molecular consequence: missense variant.
Genome position (GRCh38, 1-based): chr8:28,716,802, C>T. VCF-style: chr8-28716802-C-T. GRCh37 (hg19) VCF-style: chr8-28574319-C-T.
Other names: c.743C>T (NM_001440.2); short protein forms P248L.
Identifiers: ClinVar variation 1429187 (VCV001429187.5), dbSNP rs375285295, ClinGen allele CA4696055.